The following is an entry in ClinVar:

ClinVar aggregate classification (germline): Likely benign. Review status: criteria provided, single submitter (1 of 4 stars). 2 submissions from 2 submitters: Likely benign (1). 1 of the submissions does not count toward it. Last evaluated 2025-09-09.

Conditions:
PLXNA1-related disorder. Also called: PLXNA1-related condition.

gnomAD v4.1: 23 of 1,613,634 alleles (0.0014%); highest among the groups gnomAD compares: Admixed American, 0.0067%; no homozygotes.

Submissions (2):

Labcorp Genetics (formerly Invitae), Labcorp
Classification: Likely benign. Last evaluated: 2025-09-09. Review status: criteria provided, single submitter. Criteria: Invitae Variant Classification Sherloc (09022015). Collection method: clinical testing. Allele origin: germline.

PreventionGenetics, part of Exact Sciences
Classification: Likely benign for PLXNA1-related condition. Last evaluated: 2024-05-31. Review status: no assertion criteria provided. Collection method: clinical testing. Allele origin: germline. Not counted in ClinVar's aggregate classification.
Comment: This variant is classified as likely benign based on ACMG/AMP sequence variant interpretation guidelines (Richards et al. 2015 PMID: 25741868, with internal and published modifications).

NM_032242.4(PLXNA1):c.3447C>T (p.Asp1149=)

Gene: PLXNA1 (plexin A1; plus strand). Cytogenetic location: 3q21.3.
Variant type: single nucleotide variant.
Coding change: c.3447C>T on transcript NM_032242.4 (MANE Select); coding-DNA position 3447, C replaced by T.
Protein change: p.Asp1149=; no amino-acid change (aspartic acid 1149 retained).
Molecular consequence: synonymous variant.
Genome position (GRCh38, 1-based): chr3:127,017,595, C>T. VCF-style: chr3-127017595-C-T. GRCh37 (hg19) VCF-style: chr3-126736438-C-T.
Identifiers: ClinVar variation 3351122 (VCV003351122.2).